The following is an entry in ClinVar:

NM_004006.3(DMD):c.3622C>T (p.Gln1208Ter)

Gene: DMD (dystrophin; minus strand). Cytogenetic location: Xp21.1.
Variant type: single nucleotide variant.
Coding change: c.3622C>T on transcript NM_004006.3 (MANE Select); coding-DNA position 3622, C replaced by T.
Protein change: p.Gln1208Ter; replaces glutamine 1208 with a stop codon.
Molecular consequence: nonsense.
Genome position (GRCh38, 1-based): chrX:32,448,620, G>A on the plus strand (C>T on the coding strand, the complement: DMD is on the minus strand). VCF-style: chrX-32448620-G-A. GRCh37 (hg19) VCF-style: chrX-32466737-G-A.
Other names: c.3598C>T, p.Gln1200Ter (NM_000109.4); c.3610C>T, p.Gln1204Ter (NM_004009.3); c.3253C>T, p.Gln1085Ter (NM_004010.3); short protein forms Q1085*, Q1200*, Q1204*, Q1208*.
Identifiers: ClinVar variation 1322366 (VCV001322366.4), dbSNP rs2148289012, ClinGen allele CA412662336.

ClinVar aggregate classification (germline): Pathogenic. Review status: criteria provided, multiple submitters, no conflicts (2 of 4 stars). 2 submissions from 2 submitters: Pathogenic (2). Last evaluated 2024-01-31.

Conditions:
Duchenne muscular dystrophy (DMD). Also called: MUSCULAR DYSTROPHY, PSEUDOHYPERTROPHIC PROGRESSIVE, DUCHENNE TYPE; Duchenne Muscular Dystrophy (DMD). Identifiers: Orphanet 98896, MedGen C0013264, MONDO:0010679, OMIM 310200.

Submissions (2):

Labcorp Genetics (formerly Invitae), Labcorp
Classification: Pathogenic for Duchenne muscular dystrophy. Last evaluated: 2024-01-31. Review status: criteria provided, single submitter. Criteria: Invitae Variant Classification Sherloc (09022015). Collection method: clinical testing. Allele origin: germline.
Comment: This sequence change creates a premature translational stop signal (p.Gln1208*) in the DMD gene. It is expected to result in an absent or disrupted protein product. Loss-of-function variants in DMD are known to be pathogenic (PMID: 16770791, 25007885). This variant is not present in population databases (gnomAD no frequency). This premature translational stop signal has been observed in individual(s) with Duchenne muscular dystrophy (PMID: 19937601, 29973226). ClinVar contains an entry for this variant (Variation ID: 1322366). For these reasons, this variant has been classified as Pathogenic.

Laboratory of Medical Genetics, National & Kapodistrian University of Athens
Classification: Pathogenic for Duchenne muscular dystrophy. Last evaluated: 2022-12-16. Review status: criteria provided, single submitter. Criteria: ACMG Guidelines, 2015. Collection method: clinical testing. Allele origin: germline. Affected: yes.
Comment: PVS1, PM2, PP5

Literature cited by the submitters: PubMed 16770791 (cited by Labcorp Genetics (formerly Invitae), Labcorp); PubMed 25007885 (cited by Labcorp Genetics (formerly Invitae), Labcorp); PubMed 19937601 (cited by Labcorp Genetics (formerly Invitae), Labcorp); PubMed 29973226 (cited by Labcorp Genetics (formerly Invitae), Labcorp and Laboratory of Medical Genetics, National & Kapodistrian University of Athens); PubMed 33101180 (cited by Laboratory of Medical Genetics, National & Kapodistrian University of Athens).